The following is an entry in ClinVar:

NM_020366.4(RPGRIP1):c.1447C>A (p.Gln483Lys)

Gene: RPGRIP1 (RPGR interacting protein 1; plus strand). Cytogenetic location: 14q11.2.
Variant type: single nucleotide variant.
Coding change: c.1447C>A on transcript NM_020366.4 (MANE Select); coding-DNA position 1447, C replaced by A.
Protein change: p.Gln483Lys; replaces glutamine 483 with lysine.
Molecular consequence: missense variant. On other transcripts: 5 prime UTR variant (1).
Genome position (GRCh38, 1-based): chr14:21,320,157, C>A. VCF-style: chr14-21320157-C-A. GRCh37 (hg19) VCF-style: chr14-21788316-C-A.
Other names: c.373C>A, p.Gln125Lys (NM_001377523.1, NM_001377948.1, NM_001377949.1 and 1 more transcripts); c.-126C>A (NM_001377951.1); short protein forms Q125K, Q483K.
Identifiers: ClinVar variation 1360735 (VCV001360735.6), dbSNP rs368781265, ClinGen allele CA257535589.

ClinVar aggregate classification (germline): Uncertain significance (1 of 4 stars; one submission).

Conditions:
Leber congenital amaurosis 6 (LCA6). Identifiers: Orphanet 65, MedGen C1854260, MONDO:0013446, OMIM 613826.
Cone-rod dystrophy 13 (CORD13). Identifiers: Orphanet 1872, MedGen C2750720, MONDO:0011987, OMIM 608194.

Allele frequency attached by ClinVar (database versions not stated): gnomAD exomes below 0.00001.
gnomAD v4.1: 2 of 1,613,900 alleles (0.00012%); highest among the groups gnomAD compares: Non-Finnish European, 0.00017%; no homozygotes.

Submission:

Labcorp Genetics (formerly Invitae), Labcorp
Classification: Uncertain significance for Leber congenital amaurosis 6; Cone-rod dystrophy 13. Last evaluated: 2023-12-22. Review status: criteria provided, single submitter. Criteria: Invitae Variant Classification Sherloc (09022015). Collection method: clinical testing. Allele origin: germline.
Comment: This sequence change replaces glutamine, which is neutral and polar, with lysine, which is basic and polar, at codon 483 of the RPGRIP1 protein (p.Gln483Lys). This variant is present in population databases (no rsID available, gnomAD 0.0009%). This variant has not been reported in the literature in individuals affected with RPGRIP1-related conditions. ClinVar contains an entry for this variant (Variation ID: 1360735). Advanced modeling of protein sequence and biophysical properties (such as structural, functional, and spatial information, amino acid conservation, physicochemical variation, residue mobility, and thermodynamic stability) performed at Invitae indicates that this missense variant is expected to disrupt RPGRIP1 protein function with a positive predictive value of 80%. In summary, the available evidence is currently insufficient to determine the role of this variant in disease. Therefore, it has been classified as a Variant of Uncertain Significance.